The following is an entry in ClinVar:

ClinVar aggregate classification (germline): Likely pathogenic. Review status: criteria provided, multiple submitters, no conflicts (2 of 4 stars). 3 submissions from 3 submitters: Likely pathogenic (3). Last evaluated 2025-08-14.

Conditions:
Cardiovascular phenotype. Identifiers: MedGen CN230736.
Hypertrophic cardiomyopathy. Also called: HYPERTROPHIC MYOCARDIOPATHY. Identifiers: Orphanet 217569, MedGen C0007194, MeSH D002312, MONDO:0005045, HP:0001639.
Cardiomyopathy (CMYO). Also called: Cardiomyopathies. Identifiers: Orphanet 167848, MedGen C0878544, MONDO:0004994, HP:0001638. Inheritance: Various modes of inheritance.

Submissions (3):

Labcorp Genetics (formerly Invitae), Labcorp
Classification: Likely pathogenic for Hypertrophic cardiomyopathy. Last evaluated: 2025-08-14. Review status: criteria provided, single submitter. Criteria: Invitae Variant Classification Sherloc (09022015). Collection method: clinical testing. Allele origin: germline.
Comment: This sequence change affects a splice site in intron 28 of the MYBPC3 gene. It is expected to disrupt RNA splicing. Variants that disrupt the donor or acceptor splice site typically lead to a loss of protein function (PMID: 16199547), and loss-of-function variants in MYBPC3 are known to be pathogenic (PMID: 19574547). This variant is not present in population databases (gnomAD no frequency). This variant has not been reported in the literature in individuals affected with MYBPC3-related conditions. ClinVar contains an entry for this variant (Variation ID: 933900). Algorithms developed to predict the effect of sequence changes on RNA splicing suggest that this variant may disrupt the consensus splice site. In summary, the currently available evidence indicates that the variant is pathogenic, but additional data are needed to prove that conclusively. Therefore, this variant has been classified as Likely Pathogenic.

Ambry Genetics
Classification: Likely pathogenic for Cardiovascular phenotype. Last evaluated: 2025-03-05. Review status: criteria provided, single submitter. Criteria: Ambry Variant Classification Scheme 2023. Collection method: clinical testing. Allele origin: germline.
Comment: The c.2994+1delG intronic variant, located in intron 28 of the MYBPC3 gene, results from a deletion of one nucleotide within intron 28 of the MYBPC3 gene. This variant was reported in an individual with features consistent with MYBPC3-related hypertrophic cardiomyopathy (McGurk KA et al. Am J Hum Genet, 2023 Sep;110:1482-1495). Alterations that disrupt the canonical splice site are expected to result in aberrant splicing. In silico splice site analysis predicts that this alteration will weaken the native splice donor site and will result in the creation or strengthening of a novel splice donor site. RNA studies have demonstrated that this alteration results in abnormal splicing in the set of samples tested (Ambry internal data). This nucleotide position is highly conserved in available vertebrate species. This variant is considered to be rare based on population cohorts in the Genome Aggregation Database (gnomAD). Based on the majority of available evidence to date, this variant is likely to be pathogenic.

CHEO Genetics Diagnostic Laboratory, Children's Hospital of Eastern Ontario
Classification: Likely pathogenic for Cardiomyopathy. Last evaluated: 2019-09-25. Review status: criteria provided, single submitter. Criteria: ACMG Guidelines, 2015. Collection method: clinical testing. Allele origin: germline.

Literature cited by the submitters: PubMed 16199547 (cited by Labcorp Genetics (formerly Invitae), Labcorp); PubMed 19574547 (cited by Labcorp Genetics (formerly Invitae), Labcorp); PubMed 37652022 (cited by Ambry Genetics).

NM_000256.3(MYBPC3):c.2994+1del

Gene: MYBPC3 (myosin binding protein C3; minus strand). Cytogenetic location: 11p11.2.
Variant type: Deletion.
Coding change: c.2994+1del on transcript NM_000256.3 (MANE Select); the canonical splice donor site of the intron after coding-DNA position 2994, one base deleted (G; older notation c.2994+1delG).
Molecular consequence: splice donor variant.
Genome position (GRCh38, 1-based): chr11:47,333,921, C deleted on the plus strand (G on the coding strand, the reverse complement: MYBPC3 is on the minus strand); the first of 2 consecutive C bases (chr11:47,333,921-47,333,922); deleting either gives the same sequence. VCF-style (leftmost placement, unchanged base first): chr11-47333920-AC-A. GRCh37 (hg19) VCF-style: chr11-47355471-AC-A.
Other names: c.2994+1delG (NM_000256.3).
Identifiers: ClinVar variation 933900 (VCV000933900.11), dbSNP rs2095879886, ClinGen allele CA1139659393.
Genomic context (GRCh38, chr11:47,333,920, plus strand): 5'-GGATGGGAACAACACACTATAGCCTCTCTCCCCTGGGGGACAGGGAAGGGGGCCAGTCCC[AC>A]CTGGAAAGGGATGAGAAGGTTCACAGGCTCCCCGACCTTCTTCTGAATGGTCTGGCGCAG-3'